The following is an entry in ClinVar:

NM_000089.4(COL1A2):c.3107G>A (p.Gly1036Asp)

Gene: COL1A2 (collagen type I alpha 2 chain; plus strand). Cytogenetic location: 7q21.3.
Variant type: single nucleotide variant.
Coding change: c.3107G>A on transcript NM_000089.4 (MANE Select); coding-DNA position 3107, G replaced by A.
Protein change: p.Gly1036Asp; replaces glycine 1036 with aspartic acid.
Molecular consequence: missense variant.
Genome position (GRCh38, 1-based): chr7:94,427,009, G>A. VCF-style: chr7-94427009-G-A. GRCh37 (hg19) VCF-style: chr7-94056321-G-A.
Other names: short protein forms G1036D.
Identifiers: ClinVar variation 4999041 (VCV004999041.1).

ClinVar aggregate classification (germline): Likely pathogenic (1 of 4 stars; one submission).

Conditions:
COL1A2-related disorder. Also called: COL1A2-related condition; COL1A2-Related Disorders.

Submission:

PreventionGenetics, part of Exact Sciences
Classification: Likely pathogenic for COL1A2-related condition. Last evaluated: 2025-01-23. Review status: criteria provided, single submitter. Criteria: ACMG Guidelines, 2015. Collection method: clinical testing. Allele origin: germline.
Comment: The COL1A2 c.3107G>A variant is predicted to result in the amino acid substitution p.Gly1036Asp. This variant has been reported in one individual with osteogenesis imperfecta (Table S1, Mohan et al. 2022. PubMed ID: 34358384). This variant has not been reported in a large population database (gnomAD), indicating this variant is rare. The p.Gly1036 residue is located in the conserved Gly-Xaa-Yaa triple helical domain where substitutions of a glycine are usually pathogenic (Marini et al. 2007. PubMed ID: 17078022). Different substituions affecting the same amino acid (p.Gly1036Arg; p.Gly1036Cys; and p.Gly1036Val) have also been reported in individuals with osteogenesis imperfecta (Table S1, Marini et al. 2007. PubMed ID: 17078022; Li et al. 2019. PubMed ID: 31737030; Table S5, Bae et al. 2016. PubMed ID: 26402641). This variant is interpreted as likely pathogenic.